The following is an entry in ClinVar:

NM_022041.4(GAN):c.345G>A (p.Thr115=)

Gene: GAN (gigaxonin; plus strand). Cytogenetic location: 16q23.2.
Variant type: single nucleotide variant.
Coding change: c.345G>A on transcript NM_022041.4 (MANE Select); coding-DNA position 345, G replaced by A.
Protein change: p.Thr115=; no amino-acid change (threonine 115 retained).
Molecular consequence: synonymous variant. On other transcripts: 5 prime UTR variant (1).
Genome position (GRCh38, 1-based): chr16:81,354,467, G>A. VCF-style: chr16-81354467-G-A. GRCh37 (hg19) VCF-style: chr16-81388072-G-A.
Other names: c.-295G>A (NM_001377486.1).
Identifiers: ClinVar variation 533924 (VCV000533924.17), dbSNP rs768322742, ClinGen allele CA8191353.

ClinVar aggregate classification (germline): Likely benign. Review status: criteria provided, multiple submitters, no conflicts (2 of 4 stars). 4 submissions from 4 submitters: Likely benign (4). Last evaluated 2025-12-01.

Conditions:
Giant axonal neuropathy 1 (GAN1). Also called: GAN-Related Neurodegeneration; GIANT AXONAL NEUROPATHY 1, AUTOSOMAL RECESSIVE. Identifiers: Orphanet 643, MedGen C1850386, MONDO:0009749, OMIM 256850.
Inborn genetic diseases. Identifiers: MedGen C0950123, MeSH D030342.

Allele frequency attached by ClinVar (database versions not stated): TOPMed 0.00002; gnomAD 0.00003; ExAC 0.00004; gnomAD exomes 0.00005 and 0.00007.
gnomAD v4.1: 112 of 1,613,910 alleles (0.0069%); highest among the groups gnomAD compares: Middle Eastern, 0.016%; no homozygotes.

Submissions (4):

CeGaT Center for Human Genetics Tuebingen
Classification: Likely benign. Last evaluated: 2025-12-01. Review status: criteria provided, single submitter. Criteria: CeGaT Center For Human Genetics Tuebingen Variant Classification Criteria Version 2. Collection method: clinical testing. Allele origin: germline. Affected: yes. Observed: 1 variant allele.
Comment: GAN: BP4, BP7

Labcorp Genetics (formerly Invitae), Labcorp
Classification: Likely benign for Giant axonal neuropathy 1. Last evaluated: 2025-11-24. Review status: criteria provided, single submitter. Criteria: Invitae Variant Classification Sherloc (09022015). Collection method: clinical testing. Allele origin: germline.

GeneDx
Classification: Likely benign. Last evaluated: 2021-03-01. Review status: criteria provided, single submitter. Criteria: GeneDx Variant Classification Process June 2021. Collection method: clinical testing. Allele origin: germline. Affected: yes.

Ambry Genetics
Classification: Likely benign for Inborn genetic diseases. Last evaluated: 2019-07-11. Review status: criteria provided, single submitter. Criteria: Ambry Variant Classification Scheme 2023. Collection method: clinical testing. Allele origin: germline.